The following is an entry in ClinVar:

NM_003476.5(CSRP3):c.294G>A (p.Pro98=)

Gene: CSRP3 (cysteine and glycine rich protein 3; minus strand). Cytogenetic location: 11p15.1.
Variant type: single nucleotide variant.
Coding change: c.294G>A on transcript NM_003476.5 (MANE Select); coding-DNA position 294, G replaced by A.
Protein change: p.Pro98=; no amino-acid change (proline 98 retained).
Molecular consequence: synonymous variant. On other transcripts: missense variant (1).
Genome position (GRCh38, 1-based): chr11:19,186,336, C>T on the plus strand (G>A on the coding strand, the complement: CSRP3 is on the minus strand). VCF-style: chr11-19186336-C-T. GRCh37 (hg19) VCF-style: chr11-19207883-C-T.
Other names: c.294G>A (LRG_440t1); c.125G>A, p.Arg42Gln (NM_001369404.1); short protein forms R42Q.
Identifiers: ClinVar variation 382576 (VCV000382576.23), dbSNP rs142832902, ClinGen allele CA5916577.

ClinVar aggregate classification (germline): Likely benign. Review status: criteria provided, multiple submitters, no conflicts (2 of 4 stars). 9 submissions from 9 submitters: Likely benign (5). 4 of the submissions do not count toward it. Last evaluated 2026-01-28.

Conditions:
Hypertrophic cardiomyopathy 12. Identifiers: MedGen C2677491, MONDO:0012804, OMIM 612124.
Dilated cardiomyopathy 1M (CMD1M). Identifiers: Orphanet 154, MedGen C1843808, MONDO:0011840, OMIM 607482.
Cardiomyopathy (CMYO). Also called: Cardiomyopathies. Identifiers: Orphanet 167848, MedGen C0878544, MONDO:0004994, HP:0001638. Inheritance: Various modes of inheritance.
CSRP3-related disorder. Also called: CSRP3-related disorders; CSRP3-related condition.
Cardiovascular phenotype. Identifiers: MedGen CN230736.

Allele frequency attached by ClinVar (database versions not stated): ExAC 0.00002; gnomAD exomes 0.00003 and 0.00006; TOPMed 0.00004; gnomAD 0.00006 and 0.00007; ESP Exome Variant Server 0.00015.
gnomAD v4.1: 90 of 1,614,030 alleles (0.0056%); highest among the groups gnomAD compares: Non-Finnish European, 0.0073%; no homozygotes.

Submissions (9):

Labcorp Genetics (formerly Invitae), Labcorp
Classification: Likely benign for Hypertrophic cardiomyopathy 12; Dilated cardiomyopathy 1M. Last evaluated: 2026-01-28. Review status: criteria provided, single submitter. Criteria: Invitae Variant Classification Sherloc (09022015). Collection method: clinical testing. Allele origin: germline.

Blueprint Genetics
Classification: Likely benign. Last evaluated: 2023-09-14. Review status: criteria provided, single submitter. Criteria: ACMG Guidelines, 2015. Collection method: clinical testing. Allele origin: germline.

Ambry Genetics
Classification: Likely benign for Cardiovascular phenotype. Last evaluated: 2021-02-24. Review status: criteria provided, single submitter. Criteria: Ambry Variant Classification Scheme 2023. Collection method: clinical testing. Allele origin: germline.

CHEO Genetics Diagnostic Laboratory, Children's Hospital of Eastern Ontario
Classification: Likely benign for Cardiomyopathy. Last evaluated: 2020-12-31. Review status: criteria provided, single submitter. Criteria: ACMG Guidelines, 2015. Collection method: clinical testing. Allele origin: germline.

GeneDx
Classification: Likely benign. Last evaluated: 2017-05-26. Review status: criteria provided, single submitter. Criteria: GeneDx Variant Classification (06012015). Collection method: clinical testing. Allele origin: germline. Affected: yes.
Comment: This variant is considered likely benign or benign based on one or more of the following criteria: it is a conservative change, it occurs at a poorly conserved position in the protein, it is predicted to be benign by multiple in silico algorithms, and/or has population frequency not consistent with disease.

PreventionGenetics, part of Exact Sciences
Classification: Likely benign for CSRP3-related condition. Last evaluated: 2020-09-30. Review status: no assertion criteria provided. Collection method: clinical testing. Allele origin: germline. Not counted in ClinVar's aggregate classification.
Comment: This variant is classified as likely benign based on ACMG/AMP sequence variant interpretation guidelines (Richards et al. 2015 PMID: 25741868, with internal and published modifications).

Clinical Genetics DNA and cytogenetics Diagnostics Lab, Erasmus MC, Erasmus Medical Center
Classification: Likely benign. Review status: no assertion criteria provided. Collection method: clinical testing. Allele origin: germline. Affected: yes. Study: VKGL Data-share Consensus. Not counted in ClinVar's aggregate classification.

Clinical Genetics, Academic Medical Center
Classification: Benign. Review status: no assertion criteria provided. Collection method: clinical testing. Allele origin: germline. Affected: yes. Study: VKGL Data-share Consensus. Not counted in ClinVar's aggregate classification.

Joint Genome Diagnostic Labs from Nijmegen and Maastricht, Radboudumc and MUMC+
Classification: Likely benign. Review status: no assertion criteria provided. Collection method: clinical testing. Allele origin: germline. Affected: yes. Study: VKGL Data-share Consensus. Not counted in ClinVar's aggregate classification.